The following is an entry in ClinVar:

ClinVar aggregate classification (germline): Uncertain significance. Review status: criteria provided, multiple submitters, no conflicts (2 of 4 stars). 3 submissions from 3 submitters: Uncertain significance (3). Last evaluated 2025-08-07.

Conditions:
Inborn genetic diseases. Identifiers: MedGen C0950123, MeSH D030342.

Allele frequency attached by ClinVar (database versions not stated): gnomAD exomes below 0.00001 and 0.00002; ExAC 0.00001; gnomAD 0.00001; TOPMed 0.00002.

Submissions (3):

Ambry Genetics
Classification: Uncertain significance for Inborn genetic diseases. Last evaluated: 2025-08-07. Review status: criteria provided, single submitter. Criteria: Ambry Variant Classification Scheme 2023. Collection method: clinical testing. Allele origin: germline.

CeGaT Center for Human Genetics Tuebingen
Classification: Uncertain significance. Last evaluated: 2023-08-01. Review status: criteria provided, single submitter. Criteria: CeGaT Center For Human Genetics Tuebingen Variant Classification Criteria Version 2. Collection method: clinical testing. Allele origin: germline. Affected: yes. Observed: 1 variant allele.
Comment: PQBP1: PM2, BP4

GeneDx
Classification: Uncertain significance. Last evaluated: 2022-07-28. Review status: criteria provided, single submitter. Criteria: GeneDx Variant Classification Process June 2021. Collection method: clinical testing. Allele origin: germline. Affected: yes.
Comment: In silico analysis supports that this missense variant has a deleterious effect on protein structure/function; Has not been previously published as pathogenic or benign to our knowledge

NM_001032382.2(PQBP1):c.241C>T (p.Pro81Ser)

Gene: PQBP1 (polyglutamine binding protein 1; plus strand). Cytogenetic location: Xp11.23.
Variant type: single nucleotide variant.
Coding change: c.241C>T on transcript NM_001032382.2 (MANE Select); coding-DNA position 241, C replaced by T.
Protein change: p.Pro81Ser; replaces proline 81 with serine.
Molecular consequence: missense variant. On other transcripts: intron variant (1).
Genome position (GRCh38, 1-based): chrX:48,901,991, C>T. VCF-style: chrX-48901991-C-T. GRCh37 (hg19) VCF-style: chrX-48759268-C-T.
Other names: c.241C>T, p.Pro81Ser (NM_001032381.2, NM_001032383.2, NM_001032384.1 and 3 more transcripts); c.217C>T, p.Pro73Ser (NM_001167990.2); c.201+40C>T (NM_001167992.1); short protein forms P73S, P81S.
Identifiers: ClinVar variation 1699646 (VCV001699646.27), dbSNP rs782176008, ClinGen allele CA10405873.